The following is an entry in ClinVar:

NM_015512.5(DNAH1):c.10636C>T (p.Arg3546Ter)

Gene: DNAH1 (dynein axonemal heavy chain 1; plus strand). Cytogenetic location: 3p21.1.
Variant type: single nucleotide variant.
Coding change: c.10636C>T on transcript NM_015512.5 (MANE Select); coding-DNA position 10636, C replaced by T.
Protein change: p.Arg3546Ter; replaces arginine 3546 with a stop codon.
Molecular consequence: nonsense.
Genome position (GRCh38, 1-based): chr3:52,394,474, C>T. VCF-style: chr3-52394474-C-T. GRCh37 (hg19) VCF-style: chr3-52428490-C-T.
Other names: short protein forms R3546*.
Identifiers: ClinVar variation 544605 (VCV000544605.11), dbSNP rs200416242, ClinGen allele CA2435912.
Genomic context (GRCh38, chr3:52,394,474, plus strand): 5'-AGGAGGAGCTGGCCAGGGCCTGGGCATCAGCCTCCTCCTGTCCCCTGCCAGAGTGAGTGG[C>T]GATACCTCCTGTCTGGGGGCTCCATCTCGATCATGACTGAGAATCCGGCACCGGACTGGC-3'

ClinVar aggregate classification (germline): Conflicting classifications of pathogenicity. Review status: criteria provided, conflicting classifications (1 of 4 stars). 3 submissions from 3 submitters: Pathogenic (1); Likely pathogenic (1); Uncertain significance (1). Last evaluated 2025-09-11.

Conditions:
Spermatogenic failure 18. Identifiers: MedGen C4539783, MONDO:0054615, OMIM 617576.
Ciliary dyskinesia, primary, 37 (CILD37). Also called: CILIARY DYSKINESIA, PRIMARY, 37, WITH OR WITHOUT SITUS INVERSUS. Identifiers: MedGen C4539798, MONDO:0033204, OMIM 617577.

Allele frequency attached by ClinVar (database versions not stated): TOPMed 0.00009; gnomAD 0.00004 and 0.00005; ESP Exome Variant Server 0.00008.
gnomAD v4.1: 132 of 1,613,804 alleles (0.0082%); highest among the groups gnomAD compares: Non-Finnish European, 0.01%; no homozygotes.

Submissions (3):

GeneDx
Classification: Uncertain significance. Last evaluated: 2025-09-11. Review status: criteria provided, single submitter. Criteria: GeneDx Variant Classification Process June 2021. Collection method: clinical testing. Allele origin: germline.
Comment: Nonsense variant predicted to result in protein truncation or nonsense mediated decay in a gene for which loss of function is a known mechanism of disease; Has not been previously published as pathogenic or benign to our knowledge

Labcorp Genetics (formerly Invitae), Labcorp
Classification: Pathogenic for Ciliary dyskinesia, primary, 37; Spermatogenic failure 18. Last evaluated: 2025-07-21. Review status: criteria provided, single submitter. Criteria: Invitae Variant Classification Sherloc (09022015). Collection method: clinical testing. Allele origin: germline.
Comment: This sequence change creates a premature translational stop signal (p.Arg3546*) in the DNAH1 gene. It is expected to result in an absent or disrupted protein product. Loss-of-function variants in DNAH1 are known to be pathogenic (PMID: 27573432, 27798045). This variant is present in population databases (rs200416242, gnomAD 0.02%). This variant has not been reported in the literature in individuals affected with DNAH1-related conditions. ClinVar contains an entry for this variant (Variation ID: 544605). For these reasons, this variant has been classified as Pathogenic.

Fulgent Genetics
Classification: Likely pathogenic for Spermatogenic failure 18; Ciliary dyskinesia, primary, 37. Last evaluated: 2022-04-07. Review status: criteria provided, single submitter. Criteria: ACMG Guidelines, 2015. Collection method: clinical testing. Allele origin: unknown.

Literature cited by the submitters: PubMed 27573432 (cited by Labcorp Genetics (formerly Invitae), Labcorp); PubMed 27798045 (cited by Labcorp Genetics (formerly Invitae), Labcorp).